The following is an entry in ClinVar:

ClinVar aggregate classification (germline): Pathogenic (1 of 4 stars; one submission).

Submission:

Labcorp Genetics (formerly Invitae), Labcorp
Classification: Pathogenic. Last evaluated: 2017-11-19. Review status: criteria provided, single submitter. Criteria: Invitae Variant Classification Sherloc (09022015). Collection method: clinical testing. Allele origin: germline.
Comment: For these reasons, this variant has been classified as Pathogenic. Loss-of-function variants in MERTK are known to be pathogenic (PMID: 11592982, 19956407, 24265693, 26263531). This variant has not been reported in the literature in individuals with MERTK-related disease. This variant is not present in population databases (ExAC no frequency). This sequence change creates a premature translational stop signal (p.Lys89Asnfs*15) in the MERTK gene. It is expected to result in an absent or disrupted protein product.

Literature cited by the submitters: PubMed 11592982; PubMed 19956407; PubMed 24265693; PubMed 26263531.

NM_006343.3(MERTK):c.267del (p.Lys89fs)

Gene: MERTK (MER proto-oncogene, tyrosine kinase; plus strand). Cytogenetic location: 2q13.
Variant type: Deletion.
Coding change: c.267del on transcript NM_006343.3 (MANE Select); coding-DNA position 267, one base deleted (G; older notation c.267delG).
Protein change: p.Lys89fs; shifts the reading frame from lysine 89.
Molecular consequence: frameshift variant.
Genome position (GRCh38, 1-based): chr2:111,929,325, G deleted. VCF-style (leftmost placement, unchanged base first): chr2-111929324-AG-A. GRCh37 (hg19) VCF-style: chr2-112686901-AG-A.
Other names: short protein forms K89fs.
Identifiers: ClinVar variation 1068621 (VCV001068621.7), dbSNP rs2104686582, ClinGen allele CA2499214949.